The following is an entry in ClinVar:

NM_007294.4(BRCA1):c.1900C>T (p.Pro634Ser)

Gene: BRCA1 (BRCA1 DNA repair associated; minus strand). Cytogenetic location: 17q21.31.
Variant type: single nucleotide variant.
Coding change: c.1900C>T on transcript NM_007294.4 (MANE Select); coding-DNA position 1900, C replaced by T.
Protein change: p.Pro634Ser; replaces proline 634 with serine.
Molecular consequence: missense variant. On other transcripts: intron variant (137).
Genome position (GRCh38, 1-based): chr17:43,093,631, G>A on the plus strand (C>T on the coding strand, the complement: BRCA1 is on the minus strand). VCF-style: chr17-43093631-G-A. GRCh37 (hg19) VCF-style: chr17-41245648-G-A.
Other names: c.1687C>T, p.Pro563Ser (NM_001407571.1, NM_001407853.1, NM_001407894.1 and 9 more transcripts); c.1900C>T, p.Pro634Ser (NM_001407581.1, NM_001407582.1, NM_001407583.1 and 30 more transcripts); c.1897C>T, p.Pro633Ser (NM_001407587.1, NM_001407590.1, NM_001407591.1 and 22 more transcripts); c.1891C>T, p.Pro631Ser (NM_001407646.1, NM_001407647.1); c.1777C>T, p.Pro593Ser (NM_001407648.1, NM_001407664.1, NM_001407665.1 and 19 more transcripts); c.1774C>T, p.Pro592Ser (NM_001407649.1, NM_001407670.1, NM_001407671.1 and 11 more transcripts); c.1822C>T, p.Pro608Ser (NM_001407653.1, NM_001407654.1, NM_001407655.1 and 4 more transcripts); c.1819C>T, p.Pro607Ser (NM_001407659.1, NM_001407660.1, NM_001407661.1 and 1 more transcripts); and 40 more; short protein forms P634S, P587S, P338S, P545S, P546S, P567S, P586S, P607S.
Identifiers: ClinVar variation 54391 (VCV000054391.17), dbSNP rs80357056, ClinGen allele CA001241.
Genomic context (GRCh38, chr17:43,093,631, plus strand): 5'-TTTTTTTCTTTATCTCTTCACTGCTAGAACAACTATCAATTTGCAATTCAGTACAATTAG[G>A]TGGGCTTAGATTTCTACTGACTACTAGTTCAAGCGCATGAATATGCCTGGTAGAAGACTT-3'
Protein context (NP_009225.1, residues 624-644): ELVVSRNLSP[Pro634Ser]NCTELQIDSC

ClinVar aggregate classification (germline): Conflicting classifications of pathogenicity. Review status: criteria provided, conflicting classifications (1 of 4 stars). 6 submissions from 6 submitters: Uncertain significance (4); Likely benign (1). 1 of the submissions does not count toward it. Last evaluated 2025-03-12.

Conditions:
BRCA1-related cancer predisposition. Identifiers: MedGen CN377757, MONDO:0700268.
Hereditary cancer-predisposing syndrome. Also called: Tumor predisposition; Neoplastic Syndromes, Hereditary; Hereditary Cancer Syndrome; Hereditary neoplastic syndrome. Identifiers: Orphanet 140162, MedGen C0027672, MeSH D009386, MONDO:0015356.
Hereditary breast ovarian cancer syndrome. Also called: Hereditary breast and ovarian cancer syndrome (HBOC); Hereditary breast and ovarian cancer syndrome; Hereditary breast and ovarian cancer; Hereditary breast and/or ovarian cancer syndrome; Breast and ovarian cancer; BRCA1- and BRCA2-Associated Hereditary Breast and Ovarian Cancer. Identifiers: Orphanet 145, MedGen C0677776, MeSH D061325, MONDO:0003582. Disease mechanism: loss of function.
Breast-ovarian cancer, familial, susceptibility to, 1 (BROVCA1). Also called: OVARIAN CANCER, SUSCEPTIBILITY TO; BRCA1 Hereditary Breast and Ovarian Cancer. Identifiers: Orphanet 145, MedGen C2676676, MONDO:0011450, OMIM 604370. Disease mechanism: loss of function.

Allele frequency attached by ClinVar (database versions not stated): gnomAD exomes below 0.00001.
gnomAD v4.1: 2 of 1,613,998 alleles (0.00012%); highest among the groups gnomAD compares: African/African-American, 0.0013%; no homozygotes.

Submissions (6):

Ambry Genetics
Classification: Uncertain significance for Hereditary cancer-predisposing syndrome. Last evaluated: 2025-03-12. Review status: criteria provided, single submitter. Criteria: Ambry Variant Classification Scheme 2023. Collection method: clinical testing. Allele origin: germline.
Comment: The p.P634S variant (also known as c.1900C>T), located in coding exon 9 of the BRCA1 gene, results from a C to T substitution at nucleotide position 1900. The proline at codon 634 is replaced by serine, an amino acid with similar properties. This amino acid position is not well conserved in available vertebrate species. In addition, the in silico prediction for this alteration is inconclusive. Based on the available evidence, the clinical significance of this variant remains unclear.

Labcorp Genetics (formerly Invitae), Labcorp
Classification: Uncertain significance for Hereditary breast ovarian cancer syndrome. Last evaluated: 2024-08-30. Review status: criteria provided, single submitter. Criteria: Invitae Variant Classification Sherloc (09022015). Collection method: clinical testing. Allele origin: germline.
Comment: This sequence change replaces proline, which is neutral and non-polar, with serine, which is neutral and polar, at codon 634 of the BRCA1 protein (p.Pro634Ser). This variant is not present in population databases (gnomAD no frequency). This variant has not been reported in the literature in individuals affected with BRCA1-related conditions. ClinVar contains an entry for this variant (Variation ID: 54391). Invitae Evidence Modeling of protein sequence and biophysical properties (such as structural, functional, and spatial information, amino acid conservation, physicochemical variation, residue mobility, and thermodynamic stability) indicates that this missense variant is not expected to disrupt BRCA1 protein function with a negative predictive value of 95%. In summary, the available evidence is currently insufficient to determine the role of this variant in disease. Therefore, it has been classified as a Variant of Uncertain Significance.

All of Us Research Program, National Institutes of Health
Classification: Uncertain significance for BRCA1-related cancer predisposition. Last evaluated: 2024-03-05. Review status: criteria provided, single submitter. Criteria: ACMG Guidelines, 2015. Collection method: clinical testing. Allele origin: germline. Inheritance: Autosomal dominant inheritance. Observed: 1 variant allele, 1 heterozygote.
Comment: This study involves interpretation of variants in research participants for the purpose of population health screening. Participant phenotype was not available at the time of variant classification. Additional details can be found in publication PMID: 35346344, PMCID: PMC8962531

Color Diagnostics, LLC DBA Color Health
Classification: Uncertain significance for Hereditary cancer-predisposing syndrome. Last evaluated: 2023-08-17. Review status: criteria provided, single submitter. Criteria: ACMG Guidelines, 2015. Collection method: clinical testing. Allele origin: germline.
Comment: This missense variant replaces proline with serine at codon 634 of the BRCA1 protein. Computational prediction suggests that this variant may not impact protein structure and function (internally defined REVEL score threshold <= 0.5, PMID: 27666373). To our knowledge, functional studies have not been reported for this variant. This variant has not been reported in individuals affected with BRCA1-related disorders in the literature. This variant has not been identified in the general population by the Genome Aggregation Database (gnomAD). The available evidence is insufficient to determine the role of this variant in disease conclusively. Therefore, this variant is classified as a Variant of Uncertain Significance.

University of Washington Department of Laboratory Medicine, University of Washington
Classification: Likely benign for Hereditary cancer-predisposing syndrome. Last evaluated: 2023-03-23. Review status: criteria provided, single submitter. Criteria: Dines et al. (Genet Med. 2020). Collection method: curation. Allele origin: germline.
Comment: Missense variant in a coldspot region where missense variants are very unlikely to be pathogenic (PMID:31911673).

BRCA1 coldspot (exon 11 using historical exon numbering). Reclassification based on statistical prior probability

Breast Cancer Information Core (BIC) (BRCA1)
Classification: Uncertain significance for Breast-ovarian cancer, familial 1. Last evaluated: 2004-11-25. Review status: no assertion criteria provided. Collection method: clinical testing. Allele origin: germline. Affected: yes. Observed: 1 variant allele. Not counted in ClinVar's aggregate classification.